The following is an entry in ClinVar:

NC_000007.14:g.(?_74035344)_(74068720_?)del

Genes: ELN (elastin; plus strand), ELN-AS1 (ELN antisense RNA 1; minus strand), LOC113748410 (Sharpr-MPRA regulatory region 6518; plus strand). Cytogenetic location: 7q11.23.
Variant type: Deletion.
Identifiers: ClinVar variation 642647 (VCV000642647.1).

ClinVar aggregate classification (germline): Pathogenic (1 of 4 stars; one submission).

Conditions:
Supravalvar aortic stenosis (SVAS). Also called: Supravalvar aortic stenosis, Eisenberg type. Identifiers: Orphanet 3193, MedGen C0003499, MONDO:0008504, OMIM 185500, HP:0004381.

Submission:

Labcorp Genetics (formerly Invitae), Labcorp
Classification: Pathogenic for Supravalvar aortic stenosis. Last evaluated: 2018-08-14. Review status: criteria provided, single submitter. Criteria: Invitae Variant Classification Sherloc (09022015). Collection method: clinical testing. Allele origin: germline.
Comment: This variant is a gross deletion of the genomic region encompassing exons 2 of the ELN gene. The 5' boundary is likely confined to intron 1.Â¬â€  The 3' end of this event is unknown as it extends through the termination codon beyond the assayed region for this gene and may encompass additional genes. While this deletion is not anticipated to result in nonsense mediated decay, it is expected to create a truncated protein product or disrupt mRNA translation. This variant has not been reported in the literature in individuals with ELN-related disease. A different deletionÂ¬â€ (ELN, Deletion, Exon 34) in the disrupted region has been determined to be pathogenic (Invitae). This suggests that deletion of this region of the ELN protein is causative of disease. For these reasons, this variant has been classified as Pathogenic.